The following is an entry in ClinVar:

NM_001626.6(AKT2):c.55A>C (p.Ile19Leu)

Gene: AKT2 (AKT serine/threonine kinase 2; minus strand). Cytogenetic location: 19q13.2.
Variant type: single nucleotide variant.
Coding change: c.55A>C on transcript NM_001626.6 (MANE Select); coding-DNA position 55, A replaced by C.
Protein change: p.Ile19Leu; replaces isoleucine 19 with leucine.
Molecular consequence: missense variant. On other transcripts: 5 prime UTR variant (2).
Genome position (GRCh38, 1-based): chr19:40,257,046, T>G on the plus strand (A>C on the coding strand, the complement: AKT2 is on the minus strand). VCF-style: chr19-40257046-T-G. GRCh37 (hg19) VCF-style: chr19-40762953-T-G.
Other names: c.-132A>C (NM_001243027.3, NM_001243028.3); c.55A>C, p.Ile19Leu (NM_001330511.1); short protein forms I19L.
Identifiers: ClinVar variation 4282030 (VCV004282030.1).
Genomic context (GRCh38, chr19:40,257,046, plus strand): 5'-TGTACCCAATGAAGGAGCCGTCGCTCTTCAGCAGGAAGTACCGTGGCCTCCAGGTCTTGA[T>G]GTATTCACCTGAAATGAGGCAGGAAGGGAGGGAGAGAGGTTAGGACAAGGTTGAGTGATG-3'
Protein context (NP_001617.1, residues 9-29): EGWLHKRGEY[Ile19Leu]KTWRPRYFLL

ClinVar aggregate classification (germline): Uncertain significance (1 of 4 stars; one submission).

Submission:

GeneDx
Classification: Uncertain significance. Last evaluated: 2025-04-14. Review status: criteria provided, single submitter. Criteria: GeneDx Variant Classification Process June 2021. Collection method: clinical testing. Allele origin: germline. Affected: yes.
Comment: Not observed at significant frequency in large population cohorts (gnomAD); In silico analysis indicates that this missense variant does not alter protein structure/function; Has not been previously published as pathogenic or benign to our knowledge